The following is an entry in ClinVar:

ClinVar aggregate classification (germline): Uncertain significance (1 of 4 stars; one submission).

Allele frequency attached by ClinVar (database versions not stated): gnomAD 0.00001.
gnomAD v4.1: 6 of 1,583,970 alleles (0.00038%); highest among the groups gnomAD compares: Admixed American, 0.0017%; no homozygotes.

Submission:

Labcorp Genetics (formerly Invitae), Labcorp
Classification: Uncertain significance. Last evaluated: 2023-10-18. Review status: criteria provided, single submitter. Criteria: Invitae Variant Classification Sherloc (09022015). Collection method: clinical testing. Allele origin: germline.
Comment: This sequence change replaces proline, which is neutral and non-polar, with serine, which is neutral and polar, at codon 59 of the GABRB1 protein (p.Pro59Ser). This variant is present in population databases (no rsID available, gnomAD 0.002%). This variant has not been reported in the literature in individuals affected with GABRB1-related conditions. An algorithm developed to predict the effect of missense changes on protein structure and function (PolyPhen-2) suggests that this variant is likely to be tolerated. In summary, the available evidence is currently insufficient to determine the role of this variant in disease. Therefore, it has been classified as a Variant of Uncertain Significance.

NM_000812.4(GABRB1):c.175C>T (p.Pro59Ser)

Gene: GABRB1 (gamma-aminobutyric acid type A receptor subunit beta1; plus strand). Cytogenetic location: 4p12.
Variant type: single nucleotide variant.
Coding change: c.175C>T on transcript NM_000812.4 (MANE Select); coding-DNA position 175, C replaced by T.
Protein change: p.Pro59Ser; replaces proline 59 with serine.
Molecular consequence: missense variant.
Genome position (GRCh38, 1-based): chr4:47,032,419, C>T. VCF-style: chr4-47032419-C-T. GRCh37 (hg19) VCF-style: chr4-47034436-C-T.
Other names: short protein forms P59S.
Identifiers: ClinVar variation 3008740 (VCV003008740.3), dbSNP rs1457946456, ClinGen allele CA356805520.